The following is an entry in ClinVar:

NM_000715.4(C4BPA):c.182C>T (p.Pro61Leu)

Gene: C4BPA (complement component 4 binding protein alpha; plus strand). Cytogenetic location: 1q32.2.
Variant type: single nucleotide variant.
Coding change: c.182C>T on transcript NM_000715.4 (MANE Select); coding-DNA position 182, C replaced by T.
Protein change: p.Pro61Leu; replaces proline 61 with leucine.
Molecular consequence: missense variant.
Genome position (GRCh38, 1-based): chr1:207,114,139, C>T. VCF-style: chr1-207114139-C-T. GRCh37 (hg19) VCF-style: chr1-207287484-C-T.
Other names: short protein forms P61L.
Identifiers: ClinVar variation 3345967 (VCV003345967.1).

ClinVar aggregate classification (germline): Uncertain significance (0 of 4 stars; one submission).

Conditions:
C4BPA-related disorder. Also called: C4BPA-related condition.

gnomAD v4.1: 7 of 1,613,326 alleles (0.00043%); highest among the groups gnomAD compares: South Asian, 0.0022%; no homozygotes.

Submission:

PreventionGenetics, part of Exact Sciences
Classification: Uncertain significance for C4BPA-related condition. Last evaluated: 2024-09-27. Review status: no assertion criteria provided. Collection method: clinical testing. Allele origin: germline.
Comment: The C4BPA c.182C>T variant is predicted to result in the amino acid substitution p.Pro61Leu. To our knowledge, this variant has not been reported in the literature. This variant is reported in 0.0026% of alleles in individuals of European (Non-Finnish) descent in gnomAD. At this time, the clinical significance of this variant is uncertain due to the absence of conclusive functional and genetic evidence.